The following is an entry in ClinVar:

ClinVar aggregate classification (germline): Conflicting classifications of pathogenicity. Review status: criteria provided, conflicting classifications (1 of 4 stars). 2 submissions from 2 submitters: Uncertain significance (1); Likely benign (1). Last evaluated 2023-03-23.

Conditions:
Hereditary cancer-predisposing syndrome. Also called: Hereditary Cancer Syndrome; Hereditary neoplastic syndrome; Neoplastic Syndromes, Hereditary; Tumor predisposition. Identifiers: Orphanet 140162, MedGen C0027672, MeSH D009386, MONDO:0015356.

Submissions (2):

University of Washington Department of Laboratory Medicine, University of Washington
Classification: Likely benign for Hereditary cancer-predisposing syndrome. Last evaluated: 2023-03-23. Review status: criteria provided, single submitter. Criteria: Dines et al. (Genet Med. 2020). Collection method: curation. Allele origin: germline.
Comment: Missense variant in a coldspot region where missense variants are very unlikely to be pathogenic (PMID:31911673).

BRCA2 exon 11 coldspot. Reclassification based on statistical prior probability.

Ambry Genetics
Classification: Uncertain significance for Hereditary cancer-predisposing syndrome. Last evaluated: 2019-11-08. Review status: criteria provided, single submitter. Criteria: Ambry Variant Classification Scheme 2023. Collection method: clinical testing. Allele origin: germline.
Comment: The p.K1549T variant (also known as c.4646A>C), located in coding exon 10 of the BRCA2 gene, results from an A to C substitution at nucleotide position 4646. The lysine at codon 1549 is replaced by threonine, an amino acid with similar properties. This amino acid position is poorly conserved in available vertebrate species. In addition, the in silico prediction for this alteration is inconclusive. Since supporting evidence is limited at this time, the clinical significance of this alteration remains unclear.

NM_000059.4(BRCA2):c.4646A>C (p.Lys1549Thr)

Gene: BRCA2 (BRCA2 DNA repair associated; plus strand). Cytogenetic location: 13q13.1.
Variant type: single nucleotide variant.
Coding change: c.4646A>C on transcript NM_000059.4 (MANE Select); coding-DNA position 4646, A replaced by C.
Protein change: p.Lys1549Thr; replaces lysine 1549 with threonine.
Molecular consequence: missense variant.
Genome position (GRCh38, 1-based): chr13:32,339,001, A>C. VCF-style: chr13-32339001-A-C. GRCh37 (hg19) VCF-style: chr13-32913138-A-C.
Other names: c.4646A>C, p.Lys1549Thr (NM_001406719.1, NM_001406720.1); short protein forms K1549T.
Identifiers: ClinVar variation 1742150 (VCV001742150.4), dbSNP rs2548528952, ClinGen allele CA387782175.